The following is an entry in ClinVar:

NM_018249.6(CDK5RAP2):c.5647C>T (p.Pro1883Ser)

Gene: CDK5RAP2 (CDK5 regulatory subunit associated protein 2; minus strand). Cytogenetic location: 9q33.2.
Variant type: single nucleotide variant.
Coding change: c.5647C>T on transcript NM_018249.6 (MANE Select); coding-DNA position 5647, C replaced by T.
Protein change: p.Pro1883Ser; replaces proline 1883 with serine.
Molecular consequence: missense variant. On other transcripts: non-coding transcript variant (5).
Genome position (GRCh38, 1-based): chr9:120,389,271, G>A on the plus strand (C>T on the coding strand, the complement: CDK5RAP2 is on the minus strand). VCF-style: chr9-120389271-G-A. GRCh37 (hg19) VCF-style: chr9-123151549-G-A.
Other names: c.5410C>T, p.Pro1804Ser (NM_001011649.3); c.4957C>T, p.Pro1653Ser (NM_001272039.2); c.5548C>T, p.Pro1850Ser (NM_001410992.1); c.5551C>T, p.Pro1851Ser (NM_001410993.1); c.5644C>T, p.Pro1882Ser (NM_001410994.1); short protein forms P1851S, P1882S, P1883S, P1653S, P1804S, P1850S.
Identifiers: ClinVar variation 2403142 (VCV002403142.4), dbSNP rs1211671769, ClinGen allele CA374700020.
Genomic context (GRCh38, chr9:120,389,271, plus strand): 5'-AAGCTTTATTGGCTGAAAGTTCTTCTCAGGAGCCTGGTCTGCTGGGACTGCATGTTCCTG[G>A]ATGGGCTCCCCCAGGCCTAAGCTAGGAAAAGGAAGAAAAAAAAGGAGAATTTTAAGTCCA-3'
Protein context (NP_060719.4, residues 1873-1893): NLELRPGGAH[Pro1883Ser]GTCSPSRPGS

ClinVar aggregate classification (germline): Uncertain significance. Review status: criteria provided, multiple submitters, no conflicts (2 of 4 stars). 2 submissions from 2 submitters: Uncertain significance (2). Last evaluated 2024-03-27.

Conditions:
Inborn genetic diseases. Identifiers: MedGen C0950123, MeSH D030342.

Allele frequency attached by ClinVar (database versions not stated): TOPMed 0.00001; gnomAD exomes 0.00002.
gnomAD v4.1: 14 of 1,612,884 alleles (0.00087%); highest among the groups gnomAD compares: Admixed American, 0.018%; no homozygotes.

Submissions (2):

Labcorp Genetics (formerly Invitae), Labcorp
Classification: Uncertain significance. Last evaluated: 2024-03-27. Review status: criteria provided, single submitter. Criteria: Invitae Variant Classification Sherloc (09022015). Collection method: clinical testing. Allele origin: germline.
Comment: This sequence change replaces proline, which is neutral and non-polar, with serine, which is neutral and polar, at codon 1883 of the CDK5RAP2 protein (p.Pro1883Ser). This variant is present in population databases (no rsID available, gnomAD 0.03%). This variant has not been reported in the literature in individuals affected with CDK5RAP2-related conditions. ClinVar contains an entry for this variant (Variation ID: 2403142). Algorithms developed to predict the effect of missense changes on protein structure and function output the following: SIFT: "Not Available"; PolyPhen-2: "Probably Damaging"; Align-GVGD: "Not Available". The serine amino acid residue is found in multiple mammalian species, which suggests that this missense change does not adversely affect protein function. In summary, the available evidence is currently insufficient to determine the role of this variant in disease. Therefore, it has been classified as a Variant of Uncertain Significance.

Ambry Genetics
Classification: Uncertain significance for Inborn genetic diseases. Last evaluated: 2022-02-11. Review status: criteria provided, single submitter. Criteria: Ambry Variant Classification Scheme 2023. Collection method: clinical testing. Allele origin: germline.